The following is an entry in ClinVar:

NM_005529.7(HSPG2):c.5686A>G (p.Thr1896Ala)

Gene: HSPG2 (heparan sulfate proteoglycan 2; minus strand). Cytogenetic location: 1p36.12.
Variant type: single nucleotide variant.
Coding change: c.5686A>G on transcript NM_005529.7 (MANE Select); coding-DNA position 5686, A replaced by G.
Protein change: p.Thr1896Ala; replaces threonine 1896 with alanine.
Molecular consequence: missense variant.
Genome position (GRCh38, 1-based): chr1:21,855,802, T>C on the plus strand (A>G on the coding strand, the complement: HSPG2 is on the minus strand). VCF-style: chr1-21855802-T-C. GRCh37 (hg19) VCF-style: chr1-22182295-T-C.
Other names: c.5689A>G, p.Thr1897Ala (NM_001291860.2); short protein forms T1897A, T1896A.
Identifiers: ClinVar variation 2751245 (VCV002751245.3), dbSNP rs1192648239, ClinGen allele CA338938681.

ClinVar aggregate classification (germline): Uncertain significance (1 of 4 stars; one submission).

Allele frequency attached by ClinVar (database versions not stated): TOPMed below 0.00001.
gnomAD v4.1: 1 of 1,612,956 alleles (0.000062%); highest among the groups gnomAD compares: East Asian, 0.0022%; no homozygotes.

Submission:

Labcorp Genetics (formerly Invitae), Labcorp
Classification: Uncertain significance. Last evaluated: 2023-08-09. Review status: criteria provided, single submitter. Criteria: Invitae Variant Classification Sherloc (09022015). Collection method: clinical testing. Allele origin: germline.
Comment: This variant is not present in population databases (gnomAD no frequency). This variant has not been reported in the literature in individuals affected with HSPG2-related conditions. An algorithm developed to predict the effect of missense changes on protein structure and function (PolyPhen-2) suggests that this variant is likely to be tolerated. In summary, the available evidence is currently insufficient to determine the role of this variant in disease. Therefore, it has been classified as a Variant of Uncertain Significance. This sequence change replaces threonine, which is neutral and polar, with alanine, which is neutral and non-polar, at codon 1896 of the HSPG2 protein (p.Thr1896Ala).